The following is an entry in ClinVar:

NM_130466.4(UBE3B):c.2863_2885dup (p.Asp963fs)

Gene: UBE3B (ubiquitin protein ligase E3B; plus strand). Cytogenetic location: 12q24.11.
Variant type: Duplication.
Coding change: c.2863_2885dup on transcript NM_130466.4 (MANE Select); coding-DNA positions 2863 to 2885, 23 bases duplicated (TGGCTCTGGGATATTCTGGCCTC).
Protein change: p.Asp963fs; shifts the reading frame from aspartic acid 963.
Molecular consequence: frameshift variant.
Genome position (GRCh38, 1-based): chr12:109,530,599-109,530,621, TGGCTCTGGGATATTCTGGCCTC duplicated; duplicating any 23 consecutive bases within chr12:109,530,597-109,530,621 gives the same sequence; the c. name uses the placement nearest the transcript's 3' end. VCF-style (leftmost placement, unchanged base first): chr12-109530596-A-ATCTGGCTCTGGGATATTCTGGCC. GRCh37 (hg19) VCF-style: chr12-109968401-A-ATCTGGCTCTGGGATATTCTGGCC.
Other names: c.2863_2885dup, p.Asp963fs (NM_183415.3); short protein forms D963fs.
Identifiers: ClinVar variation 1992764 (VCV001992764.4), dbSNP rs2548577530, ClinGen allele CA2580085756.

ClinVar aggregate classification (germline): Pathogenic (1 of 4 stars; one submission).

Submission:

Labcorp Genetics (formerly Invitae), Labcorp
Classification: Pathogenic. Last evaluated: 2022-05-10. Review status: criteria provided, single submitter. Criteria: Invitae Variant Classification Sherloc (09022015). Collection method: clinical testing. Allele origin: germline.
Comment: This sequence change creates a premature translational stop signal (p.Asp963Glyfs*19) in the UBE3B gene. It is expected to result in an absent or disrupted protein product. Loss-of-function variants in UBE3B are known to be pathogenic (PMID: 23687348, 24615390). This variant is not present in population databases (gnomAD no frequency). This variant has not been reported in the literature in individuals affected with UBE3B-related conditions. For these reasons, this variant has been classified as Pathogenic.

Literature cited by the submitters: PubMed 23687348; PubMed 24615390.